The following is an entry in ClinVar:

ClinVar aggregate classification (germline): Uncertain significance (1 of 4 stars; one submission).

Allele frequency attached by ClinVar (database versions not stated): gnomAD exomes below 0.00001.
gnomAD v4.1: 1 of 1,613,838 alleles (0.000062%); highest among the groups gnomAD compares: Non-Finnish European, 0.000085%; no homozygotes.

Submission:

GeneDx
Classification: Uncertain significance. Last evaluated: 2022-05-26. Review status: criteria provided, single submitter. Criteria: GeneDx Variant Classification Process June 2021. Collection method: clinical testing. Allele origin: germline. Affected: yes.
Comment: Has not been previously published as pathogenic or benign to our knowledge; Not observed at significant frequency in large population cohorts (gnomAD); In silico analysis supports that this missense variant has a deleterious effect on protein structure/function

NM_004172.5(SLC1A3):c.436C>T (p.His146Tyr)

Genes: SLC1A3-AS1 (SLC1A3 antisense RNA 1; minus strand), SLC1A3 (solute carrier family 1 member 3; plus strand). Cytogenetic location: 5p13.2.
Variant type: single nucleotide variant.
Coding change: c.436C>T on transcript NM_004172.5 (MANE Select); coding-DNA position 436, C replaced by T.
Protein change: p.His146Tyr; replaces histidine 146 with tyrosine.
Molecular consequence: missense variant.
Genome position (GRCh38, 1-based): chr5:36,671,145, C>T. VCF-style: chr5-36671145-C-T. GRCh37 (hg19) VCF-style: chr5-36671247-C-T.
Other names: c.436C>T, p.His146Tyr (NM_001166695.3, NM_001289940.2); c.298C>T, p.His100Tyr (NM_001289939.2); short protein forms H100Y, H146Y.
Identifiers: ClinVar variation 1800987 (VCV001800987.1), dbSNP rs2478113936, ClinGen allele CA359477475.